The following is an entry in ClinVar:

ClinVar aggregate classification (germline): Likely benign (1 of 4 stars; one submission).

Allele frequency attached by ClinVar (database versions not stated): ExAC 0.00003; gnomAD 0.00005; TOPMed 0.00005; gnomAD exomes 0.00015.
gnomAD v4.1: 239 of 1,611,702 alleles (0.015%); highest among the groups gnomAD compares: Non-Finnish European, 0.019%; no homozygotes.

Submission:

CeGaT Center for Human Genetics Tuebingen
Classification: Likely benign. Last evaluated: 2022-11-01. Review status: criteria provided, single submitter. Criteria: CeGaT Center For Human Genetics Tuebingen Variant Classification Criteria Version 2. Collection method: clinical testing. Allele origin: germline. Affected: yes. Observed: 1 variant allele.
Comment: CDH15: BP4, BP7

NM_004933.3(CDH15):c.1923C>T (p.His641=)

Gene: CDH15 (cadherin 15; plus strand). Cytogenetic location: 16q24.3.
Variant type: single nucleotide variant.
Coding change: c.1923C>T on transcript NM_004933.3 (MANE Select); coding-DNA position 1923, C replaced by T.
Protein change: p.His641=; no amino-acid change (histidine 641 retained).
Molecular consequence: synonymous variant.
Genome position (GRCh38, 1-based): chr16:89,193,537, C>T. VCF-style: chr16-89193537-C-T. GRCh37 (hg19) VCF-style: chr16-89259945-C-T.
Identifiers: ClinVar variation 2647041 (VCV002647041.24), dbSNP rs746812025, ClinGen allele CA8239473.
Genomic context (GRCh38, chr16:89,193,537, plus strand): 5'-CCTGCTCGTGGCACTCCGGGCGCGGTTCTGGAAGCAGTCTCGGGGCAAGGGGCTGCTGCA[C>T]GGCCCCCAGGACGACCTTCGAGACAATGTCCTCAACTACGATGAGCAAGGAGGCGGGGAG-3'
Protein context (NP_004924.1, residues 631-651): WKQSRGKGLL[His641=]GPQDDLRDNV